The following is an entry in ClinVar:

ClinVar aggregate classification (germline): Pathogenic (1 of 4 stars; one submission).

Submission:

GeneDx
Classification: Pathogenic. Last evaluated: 2025-08-31. Review status: criteria provided, single submitter. Criteria: GeneDx Variant Classification Process June 2021. Collection method: clinical testing. Allele origin: germline. Affected: yes.
Comment: Intronic variant directly or indirectly altering the +5 splice site in a gene for which loss of function is a known mechanism of disease, and splice predictors support a deleterious effect; Not observed at significant frequency in large population cohorts (gnomAD); Has not been previously published as pathogenic or benign to our knowledge

NM_057175.5(NAA15):c.1087+5G>A

Gene: NAA15 (N-alpha-acetyltransferase 15, NatA auxiliary subunit; plus strand). Cytogenetic location: 4q31.1.
Variant type: single nucleotide variant.
Coding change: c.1087+5G>A on transcript NM_057175.5 (MANE Select); 5 bases into the intron after coding-DNA position 1087, G replaced by A.
Molecular consequence: intron variant.
Genome position (GRCh38, 1-based): chr4:139,354,103, G>A. VCF-style: chr4-139354103-G-A. GRCh37 (hg19) VCF-style: chr4-140275257-G-A.
Other names: c.1087+5G>A (NM_001410842.1).
Identifiers: ClinVar variation 4812890 (VCV004812890.1).